The following is an entry in ClinVar:

NM_022765.4(MICAL1):c.662A>G (p.Lys221Arg)

Gene: MICAL1 (microtubule associated monooxygenase, calponin and LIM domain containing 1; minus strand). Cytogenetic location: 6q21.
Variant type: single nucleotide variant.
Coding change: c.662A>G on transcript NM_022765.4 (MANE Select); coding-DNA position 662, A replaced by G.
Protein change: p.Lys221Arg; replaces lysine 221 with arginine.
Molecular consequence: missense variant.
Genome position (GRCh38, 1-based): chr6:109,452,525, T>C on the plus strand (A>G on the coding strand, the complement: MICAL1 is on the minus strand). VCF-style: chr6-109452525-T-C. GRCh37 (hg19) VCF-style: chr6-109773728-T-C.
Other names: c.662A>G (NM_022765.3); c.662A>G, p.Lys221Arg (NM_001159291.2); c.719A>G, p.Lys240Arg (NM_001286613.2); short protein forms K240R, K221R.
Identifiers: ClinVar variation 1516715 (VCV001516715.9), dbSNP rs373999367, ClinGen allele CA3953681.

ClinVar aggregate classification (germline): Uncertain significance. Review status: criteria provided, multiple submitters, no conflicts (2 of 4 stars). 2 submissions from 2 submitters: Uncertain significance (2). Last evaluated 2025-08-29.

Allele frequency attached by ClinVar (database versions not stated): gnomAD 0.00001; gnomAD exomes 0.00001 and 0.00006; TOPMed 0.00003; ExAC 0.00004; ESP Exome Variant Server 0.00008.
gnomAD v4.1: 19 of 1,613,746 alleles (0.0012%); highest among the groups gnomAD compares: Admixed American, 0.027%; no homozygotes.

Submissions (2):

Ambry Genetics
Classification: Uncertain significance. Last evaluated: 2025-08-29. Review status: criteria provided, single submitter. Criteria: Ambry Variant Classification Scheme 2023. Collection method: clinical testing. Allele origin: germline.

Labcorp Genetics (formerly Invitae), Labcorp
Classification: Uncertain significance. Last evaluated: 2025-08-15. Review status: criteria provided, single submitter. Criteria: Invitae Variant Classification Sherloc (09022015). Collection method: clinical testing. Allele origin: germline.
Comment: This sequence change replaces lysine, which is basic and polar, with arginine, which is basic and polar, at codon 240 of the MICAL1 protein (p.Lys240Arg). This variant is present in population databases (rs373999367, gnomAD 0.05%), and has an allele count higher than expected for a pathogenic variant. This variant has not been reported in the literature in individuals affected with MICAL1-related conditions. ClinVar contains an entry for this variant (Variation ID: 1516715). An algorithm developed to predict the effect of missense changes on protein structure and function (PolyPhen-2) suggests that this variant is likely to be tolerated. In summary, the available evidence is currently insufficient to determine the role of this variant in disease. Therefore, it has been classified as a Variant of Uncertain Significance.